The following is an entry in ClinVar:

ClinVar aggregate classification (germline): Pathogenic (1 of 4 stars; one submission).

Conditions:
Cardiovascular phenotype. Identifiers: MedGen CN230736.
Hereditary cancer-predisposing syndrome. Also called: Neoplastic Syndromes, Hereditary; Tumor predisposition; Hereditary Cancer Syndrome; Hereditary neoplastic syndrome. Identifiers: Orphanet 140162, MedGen C0027672, MeSH D009386, MONDO:0015356.

Submission:

Ambry Genetics
Classification: Pathogenic for Cardiovascular phenotype; Hereditary cancer-predisposing syndrome. Last evaluated: 2026-03-26. Review status: criteria provided, single submitter. Criteria: Ambry Variant Classification Scheme 2023. Collection method: clinical testing. Allele origin: germline.
Comment: The c.64delT pathogenic mutation, located in coding exon 1 of the LZTR1 gene, results from a deletion of one nucleotide at nucleotide position 64, causing a translational frameshift with a predicted alternate stop codon (p.S22Pfs*3). This variant is considered to be rare based on population cohorts in the Genome Aggregation Database (gnomAD). This alteration is expected to result in loss of function by premature protein truncation or nonsense-mediated mRNA decay. Loss-of-function variants in LZTR1 are related to an increased risk for schwannomas and autosomal recessive Noonan syndrome; however, such associations with autosomal dominant Noonan syndrome have not been observed (Piotrowski A et al. Nat Genet. 2014 Feb;46:182-7; Yamamoto GL et al. J Med Genet. 2015 Jun;52:413-21; Johnston JJ et al. Genet Med. 2018 10;20:1175-1185). Based on the supporting evidence, this variant is pathogenic for an increased risk of LZTR1-related schwannomatosis (SWN) and would be expected to cause autosomal recessive Noonan syndrome when present along with a second pathogenic or likely pathogenic variant on the other allele; however, the association of this variant with autosomal dominant Noonan syndrome is unlikely.

NM_006767.4(LZTR1):c.64del (p.Ser22fs)

Genes: LZTR1 (leucine zipper like post translational regulator 1; plus strand), LOC130067016 (ATAC-STARR-seq lymphoblastoid silent region 13504; plus strand). Cytogenetic location: 22q11.21.
Variant type: Deletion.
Coding change: c.64del on transcript NM_006767.4 (MANE Select); coding-DNA position 64, one base deleted (T; older notation c.64delT).
Protein change: p.Ser22fs; shifts the reading frame from serine 22.
Molecular consequence: frameshift variant.
Genome position (GRCh38, 1-based): chr22:20,982,435, T deleted. VCF-style (leftmost placement, unchanged base first): chr22-20982434-GT-G. GRCh37 (hg19) VCF-style: chr22-21336723-GT-G.
Other names: short protein forms S22fs.
Identifiers: ClinVar variation 4859365 (VCV004859365.1).
Genomic context (GRCh38, chr22:20,982,434, plus strand): 5'-GGCTGGACCGGGCAGCACGGGGGGGCAGATCGGGGCTGCGGCCCTGGCAGGCGGCGCGCG[GT>G]CCAAGGTAGCCCCGAGCGTGGACTTCGACCATAGCTGCTCGGACAGTGTCGAGTACCTGA-3'